The following is an entry in ClinVar:

ClinVar aggregate classification (germline): Uncertain significance (1 of 4 stars; one submission).

Conditions:
Tuberous sclerosis 2 (TSC2). Identifiers: Orphanet 805, MedGen C1860707, MONDO:0013199, OMIM 613254.

Submission:

Labcorp Genetics (formerly Invitae), Labcorp
Classification: Uncertain significance for Tuberous sclerosis 2. Last evaluated: 2018-06-25. Review status: criteria provided, single submitter. Criteria: Invitae Variant Classification Sherloc (09022015). Collection method: clinical testing. Allele origin: germline.
Comment: In summary, the available evidence is currently insufficient to determine the role of this variant in disease. Therefore, it has been classified as a Variant of Uncertain Significance. Algorithms developed to predict the effect of missense changes on protein structure and function (SIFT, PolyPhen-2, Align-GVGD) all suggest that this variant is likely to be tolerated, but these predictions have not been confirmed by published functional studies and their clinical significance is uncertain. This variant has not been reported in the literature in individuals with TSC2-related disease. This variant is not present in population databases (ExAC no frequency). This sequence change replaces serine with proline at codon 132 of the TSC2 protein (p.Ser132Pro). The serine residue is moderately conserved and there is a moderate physicochemical difference between serine and proline.

NM_000548.5(TSC2):c.394T>C (p.Ser132Pro)

Gene: TSC2 (TSC complex subunit 2; plus strand). Cytogenetic location: 16p13.3.
Variant type: single nucleotide variant.
Coding change: c.394T>C on transcript NM_000548.5 (MANE Select); coding-DNA position 394, T replaced by C.
Protein change: p.Ser132Pro; replaces serine 132 with proline.
Molecular consequence: missense variant. On other transcripts: intron variant (1).
Genome position (GRCh38, 1-based): chr16:2,054,353, T>C. VCF-style: chr16-2054353-T-C. GRCh37 (hg19) VCF-style: chr16-2104354-T-C.
Other names: c.394T>C, p.Ser132Pro (NM_001077183.3, NM_001114382.3, NM_001363528.2 and 3 more transcripts); c.283T>C, p.Ser95Pro (NM_001318827.2); c.247T>C, p.Ser83Pro (NM_001318829.2); c.427T>C, p.Ser143Pro (NM_001318832.2); c.-1-1843T>C (NM_001318831.2); short protein forms S132P, S95P, S143P, S83P.
Identifiers: ClinVar variation 578878 (VCV000578878.8), dbSNP rs1191673224, ClinGen allele CA394306924.
Genomic context (GRCh38, chr16:2,054,353, plus strand): 5'-TAGGGCGAGCGTTTGGGGGTCCTCAGAGCCCTCTTCTTTAAGGTCATCAAGGATTACCCT[T>C]CCAACGAAGACCTTCACGAAAGGCTGGAGGTTTTCAAGGCCCTCACAGACAATGGGAGAC-3'
Protein context (NP_000539.2, residues 122-142): LFFKVIKDYP[Ser132Pro]NEDLHERLEV